The following is an entry in ClinVar:

NM_144687.4(NLRP12):c.2479C>G (p.Pro827Ala)

Gene: NLRP12 (NLR family pyrin domain containing 12; minus strand). Cytogenetic location: 19q13.42.
Variant type: single nucleotide variant.
Coding change: c.2479C>G on transcript NM_144687.4 (MANE Select); coding-DNA position 2479, C replaced by G.
Protein change: p.Pro827Ala; replaces proline 827 with alanine.
Molecular consequence: missense variant.
Genome position (GRCh38, 1-based): chr19:53,804,058, G>C on the plus strand (C>G on the coding strand, the complement: NLRP12 is on the minus strand). VCF-style: chr19-53804058-G-C. GRCh37 (hg19) VCF-style: chr19-54307312-G-C.
Other names: c.2482C>G, p.Pro828Ala (NM_001277126.2); c.2479C>G, p.Pro827Ala (NM_001277129.1); short protein forms P827A, P828A.
Identifiers: ClinVar variation 1465999 (VCV001465999.8), dbSNP rs926941594, ClinGen allele CA310064844.

ClinVar aggregate classification (germline): Uncertain significance (1 of 4 stars; one submission).

Conditions:
Familial cold autoinflammatory syndrome 2 (FCAS2). Identifiers: Orphanet 247868, MedGen C2673198, MONDO:0012724, OMIM 611762.

Allele frequency attached by ClinVar (database versions not stated): gnomAD 0.00001; gnomAD exomes 0.00001.
gnomAD v4.1: 28 of 1,613,832 alleles (0.0017%); highest among the groups gnomAD compares: Non-Finnish European, 0.0022%; no homozygotes.

Submission:

Labcorp Genetics (formerly Invitae), Labcorp
Classification: Uncertain significance for Familial cold autoinflammatory syndrome 2. Last evaluated: 2022-08-23. Review status: criteria provided, single submitter. Criteria: Invitae Variant Classification Sherloc (09022015). Collection method: clinical testing. Allele origin: germline.
Comment: This variant has not been reported in the literature in individuals affected with NLRP12-related conditions. In summary, the available evidence is currently insufficient to determine the role of this variant in disease. Therefore, it has been classified as a Variant of Uncertain Significance. Algorithms developed to predict the effect of missense changes on protein structure and function (SIFT, PolyPhen-2, Align-GVGD) all suggest that this variant is likely to be tolerated. ClinVar contains an entry for this variant (Variation ID: 1465999). This variant is present in population databases (no rsID available, gnomAD 0.0009%). This sequence change replaces proline, which is neutral and non-polar, with alanine, which is neutral and non-polar, at codon 827 of the NLRP12 protein (p.Pro827Ala).